The following is an entry in ClinVar:

ClinVar aggregate classification (germline): Pathogenic. Review status: reviewed by expert panel (3 of 4 stars). 8 submissions from 8 submitters: Pathogenic (1). 7 of the submissions do not count toward it. Last evaluated 2025-03-18.

Conditions:
Other rare neuromuscular disorders.
Autosomal recessive limb-girdle muscular dystrophy. Identifiers: Orphanet 102015, MedGen C2931907, MONDO:0015152.
Neuromuscular disease caused by qualitative or quantitative defects of dysferlin. Also called: Dysferlinopathy; Qualitative or quantitative defects of dysferlin. Identifiers: Orphanet 207073, MedGen C2931687, MONDO:0016145.
Miyoshi muscular dystrophy 1 (MMD1). Identifiers: Orphanet 45448, MedGen C4551973, MONDO:0024545, OMIM 254130.
Autosomal recessive limb-girdle muscular dystrophy type 2B (LGMDR2). Also called: MUSCULAR DYSTROPHY, LIMB-GIRDLE, TYPE 3; Limb-Girdle Muscular Dystrophy Type 2B (LGMD2B); Limb-girdle muscular dystrophy, type 2B; MUSCULAR DYSTROPHY, LIMB-GIRDLE, AUTOSOMAL RECESSIVE 2. Identifiers: Orphanet 268, MedGen C1850889, MONDO:0009676, OMIM 253601.

Allele frequency attached by ClinVar (database versions not stated): TOPMed below 0.00001; ExAC 0.00001.
gnomAD v4.1: 3 of 1,613,954 alleles (0.00019%); highest among the groups gnomAD compares: South Asian, 0.0022%; no homozygotes.

Submissions (8):

ClinGen Limb Girdle Muscular Dystrophy Variant Curation Expert Panel, ClinGen
Classification: Pathogenic for Autosomal recessive limb-girdle muscular dystrophy. Last evaluated: 2025-03-18. Review status: reviewed by expert panel. Criteria: ClinGen LGMD VCEP ACMG Specifications DYSF V1.0.0. Collection method: curation. Allele origin: germline. Inheritance: Autosomal recessive inheritance.
Comment: The NM_003494.4: c.5057+5G>A variant in DYSF, which is also known as NM_001130987.2: c.5174+5G>A, occurs within the splice donor motif of intron 45. RNAseq and cDNA analysis has demonstrated that this variant disrupts splicing, resulting in a frameshift and premature truncation, with no detectable normally spliced transcript (PMID: 36983702, 10766988; PVS1_RNA). This variant has been identified in at least two patients with LGMD, including in a homozygous state (0.25 pts, PMID: 10766988) and in unknown phase with a pathogenic variant (c.5979dup p.(Glu1994ArgfsTer3), 0.5 pts, PMID: 36983702) (PM3_Supporting). At least one patient with this variant displayed progressive limb girdle muscle weakness and severely reduced or absent dysferlin protein expression, which is highly specific for DYSF-associated LGMD (PP4_Moderate, PMID: 36983702, 10766988). The variant was shown to co-segregate with the LGMD phenotype in five affected members of a consanguineous family of Yemenite Jewish descent (PP1_Moderate; PMID: 10766988). The highest population minor allele frequency is 0.00002196 (2/91068 exome alleles) in the South Asian population in gnomAD v4.1.0, which is less than the LGMD VCEP threshold (≤0.0001) for PM2_Supporting, meeting this criterion (PM2_Supporting). In summary, this variant meets the criteria to be classified as Pathogenic for autosomal recessive limb girdle muscular dystrophy based on the ACMG/AMP criteria applied, as specified by the ClinGen LGMD VCEP (LGMD VCEP specifications version 1.0.0; 03/18/2025): PVS1_RNA, PM3_Supporting, PP4_Moderate, PP1_Moderate, PM2_Supporting.

NHS Central & South Genomic Laboratory Hub
Classification: Pathogenic for Other rare neuromuscular disorders. Last evaluated: 2026-04-22. Review status: criteria provided, single submitter. Criteria: ACMG Guidelines, 2015. Collection method: clinical testing. Allele origin: germline. Affected: yes. Not counted in ClinVar's aggregate classification.

Labcorp Genetics (formerly Invitae), Labcorp
Classification: Pathogenic for Neuromuscular disease caused by qualitative or quantitative defects of dysferlin. Last evaluated: 2026-01-07. Review status: criteria provided, single submitter. Criteria: Invitae Variant Classification Sherloc (09022015). Collection method: clinical testing. Allele origin: germline. Not counted in ClinVar's aggregate classification.
Comment: This sequence change falls in intron 45 of the DYSF gene. It does not directly change the encoded amino acid sequence of the DYSF protein. RNA analysis indicates that this variant induces altered splicing and may result in an absent or altered protein product. This variant is present in population databases (rs745891180, gnomAD 0.006%). This variant has been observed in individual(s) with limb-girdle muscular dystrophy (PMID: 10766988). It has also been observed to segregate with disease in related individuals. This variant is also known as a G to A bp alteration that is predicted to affect position 5 in the intron following amino acid 1686. ClinVar contains an entry for this variant (Variation ID: 6672). Variants that disrupt the consensus splice site are a relatively common cause of aberrant splicing (PMID: 17576681, 9536098). Studies have shown that this variant results in altered splicing, which introduces a frameshift, and produces a non-functional protein and/or introduces a premature termination codon (PMID: 10766988). For these reasons, this variant has been classified as Pathogenic.

Natera, Inc.
Classification: Likely pathogenic for Limb-girdle muscular dystrophy type 2B. Last evaluated: 2025-11-22. Review status: criteria provided, single submitter. Criteria: Natera Variant Classification Schema (03/2026). Collection method: clinical testing. Allele origin: germline. Not counted in ClinVar's aggregate classification.
Comment: The c.5057+5G>A variant in DYSF is an intronic variant located outside the canonical splice sites. This variant is rare in the general population with a frequency below the threshold expected for the associated phenotype(s). This variant has been observed in one or more individuals affected with the associated recessive disease, as either homozygous or compound heterozygous with a second variant (PMID: 39678382, 10766988). Functional studies show that this variant may disrupt protein function (PMID: 36983702, 10766988). Computational prediction algorithms indicate this variant is likely to affect gene or protein function. Given the available evidence, this variant is classified as Likely Pathogenic.

Revvity Omics, Revvity
Classification: Likely pathogenic. Last evaluated: 2024-02-20. Review status: criteria provided, single submitter. Criteria: ACMG Guidelines, 2015. Collection method: clinical testing. Allele origin: germline. Not counted in ClinVar's aggregate classification.

Baylor Genetics
Classification: Likely pathogenic for Miyoshi muscular dystrophy 1. Last evaluated: 2023-09-02. Review status: criteria provided, single submitter. Criteria: ACMG Guidelines, 2015. Collection method: clinical testing. Allele origin: unknown. Not counted in ClinVar's aggregate classification.

Women's Health and Genetics/Laboratory Corporation of America, LabCorp
Classification: Pathogenic for Autosomal recessive limb-girdle muscular dystrophy. Last evaluated: 2022-09-26. Review status: criteria provided, single submitter. Criteria: LabCorp Variant Classification Summary - May 2015. Collection method: clinical testing. Allele origin: germline. Not counted in ClinVar's aggregate classification.
Comment: Variant summary: DYSF c.5057+5G>A alters a conserved nucleotide located close to a canonical splice site and therefore could affect mRNA splicing, leading to a significantly altered protein sequence. Several computational tools predict a significant impact on normal splicing: one predicts the variant abolishes a 5 splicing donor site. At least one publication reports experimental evidence that this variant affects mRNA splicing. The variant allele was found at a frequency of 8e-06 in 251286 control chromosomes. c.5057+5G>A has been reported in the literature in multiple individuals affected with Limb-Girdle Muscular Dystrophy, Autosomal Recessive. These data indicate that the variant is very likely to be associated with disease. Two clinical diagnostic laboratories have submitted clinical-significance assessments for this variant to ClinVar after 2014 without evidence for independent evaluation. Both laboratories classified the variant as pathogenic/likely pathogenic. Based on the evidence outlined above, the variant was classified as pathogenic.

OMIM
Classification: Pathogenic for MUSCULAR DYSTROPHY, LIMB-GIRDLE, AUTOSOMAL RECESSIVE 2. Last evaluated: 2000-04-10. Review status: no assertion criteria provided. Collection method: literature only. Allele origin: germline. Not counted in ClinVar's aggregate classification.

Literature cited by the submitters: PubMed 10766988 (cited by 4 submitters); PubMed 17576681 (cited by Labcorp Genetics (formerly Invitae), Labcorp); PubMed 9536098 (cited by Labcorp Genetics (formerly Invitae), Labcorp); PubMed 39678382 (cited by Natera, Inc.); PubMed 36983702 (cited by Natera, Inc.).

NM_001130987.2(DYSF):c.5174+5G>A

Gene: DYSF (dysferlin; plus strand). Cytogenetic location: 2p13.2.
Variant type: single nucleotide variant.
Coding change: c.5174+5G>A on transcript NM_001130987.2 (MANE Select); 5 bases into the intron after coding-DNA position 5174, G replaced by A.
Molecular consequence: intron variant.
Genome position (GRCh38, 1-based): chr2:71,664,443, G>A. VCF-style: chr2-71664443-G-A. GRCh37 (hg19) VCF-style: chr2-71891573-G-A.
Other names: DYSF, NT5711, G-A, +5; c.5150+5G>A (NM_001130979.2); c.5171+5G>A (NM_001130981.2); c.5108+5G>A (NM_001130980.2); c.5120+5G>A (NM_001130978.2); c.5057+5G>A (NM_003494.4); c.5078+5G>A (NM_001130977.2); c.5015+5G>A (NM_001130976.2); and 6 more.
Identifiers: ClinVar variation 6672 (VCV000006672.17), dbSNP rs745891180, ClinGen allele CA253906.
Genomic context (GRCh38, chr2:71,664,443, plus strand): 5'-AACAGGCTGCTGTCCAAGTTTGGGGCTCGCTGTGGACTCCCACAGACCTACTGTGTGTAC[G>A]TGGATGGGGGCTGGCTGCCTGCTTCTCTGACAACACACCACCCCTGTCTTCTCTGACAAC-3'